The following is an entry in ClinVar:

NM_001271.4(CHD2):c.1591C>T (p.Gln531Ter)

Gene: CHD2 (chromodomain helicase DNA binding protein 2; plus strand). Cytogenetic location: 15q26.1.
Variant type: single nucleotide variant.
Coding change: c.1591C>T on transcript NM_001271.4 (MANE Select); coding-DNA position 1591, C replaced by T.
Protein change: p.Gln531Ter; replaces glutamine 531 with a stop codon.
Molecular consequence: nonsense.
Genome position (GRCh38, 1-based): chr15:92,953,445, C>T. VCF-style: chr15-92953445-C-T. GRCh37 (hg19) VCF-style: chr15-93496675-C-T.
Other names: short protein forms Q531*.
Identifiers: ClinVar variation 449887 (VCV000449887.2), dbSNP rs1555440558, ClinGen allele CA393905001.

ClinVar aggregate classification (germline): Likely pathogenic (1 of 4 stars; one submission).

Submission:

GeneDx
Classification: Likely pathogenic. Last evaluated: 2017-03-21. Review status: criteria provided, single submitter. Criteria: GeneDx Variant Classification (06012015). Collection method: clinical testing. Allele origin: germline. Affected: yes.
Comment: A variant that is likely pathogenic has been identified in the CHD2 gene. The Q531X variant has not been published as a pathogenic variant, nor has it been reported as a benign variant to our knowledge. The Q531X nonsense variant is predicted to cause loss of normal protein function either through protein truncation or nonsense-mediated mRNA decay. Furthermore, the Q531X variant is not observed in large population cohorts (Lek et al., 2016; 1000 Genomes Consortium et al., 2015; Exome Variant Server). Although this variant has not been reported previously to our knowledge, other nonsense variants downstream of this position have been reported in the Human Gene Mutation Database in association with CHD2-related disorders (Stenson et al., 2014). Therefore, this variant is likely pathogenic; however, the possibility that it is benign cannot be excluded.